The following is an entry in ClinVar:

ClinVar aggregate classification (germline): Uncertain significance (1 of 4 stars; one submission).

Conditions:
Hermansky-Pudlak syndrome 2 (HPS2). Also called: Platelet defects and oculocutaneous albinism. Identifiers: Orphanet 183678, Orphanet 79430, MedGen C1842362, MONDO:0011997, OMIM 608233.

gnomAD v4.1: 1 of 1,611,692 alleles (0.000062%); highest among the groups gnomAD compares: Non-Finnish European, 0.000085%; no homozygotes.

Submission:

Labcorp Genetics (formerly Invitae), Labcorp
Classification: Uncertain significance for Hermansky-Pudlak syndrome 2. Last evaluated: 2025-11-16. Review status: criteria provided, single submitter. Criteria: Invitae Variant Classification Sherloc (09022015). Collection method: clinical testing. Allele origin: germline.
Comment: This sequence change replaces lysine, which is basic and polar, with glutamic acid, which is acidic and polar, at codon 612 of the AP3B1 protein (p.Lys612Glu). This variant is not present in population databases (gnomAD no frequency). This variant has not been reported in the literature in individuals affected with AP3B1-related conditions. An algorithm developed to predict the effect of missense changes on protein structure and function (PolyPhen-2) suggests that this variant is likely to be tolerated. In summary, the available evidence is currently insufficient to determine the role of this variant in disease. Therefore, it has been classified as a Variant of Uncertain Significance.

NM_003664.5(AP3B1):c.1834A>G (p.Lys612Glu)

Gene: AP3B1 (adaptor related protein complex 3 subunit beta 1; minus strand). Cytogenetic location: 5q14.1.
Variant type: single nucleotide variant.
Coding change: c.1834A>G on transcript NM_003664.5 (MANE Select); coding-DNA position 1834, A replaced by G.
Protein change: p.Lys612Glu; replaces lysine 612 with glutamic acid.
Molecular consequence: missense variant.
Genome position (GRCh38, 1-based): chr5:78,129,124, T>C on the plus strand (A>G on the coding strand, the complement: AP3B1 is on the minus strand). VCF-style: chr5-78129124-T-C. GRCh37 (hg19) VCF-style: chr5-77424948-T-C.
Other names: c.1687A>G, p.Lys563Glu (NM_001271769.2); c.1834A>G, p.Lys612Glu (NM_001410752.1); short protein forms K563E, K612E.
Identifiers: ClinVar variation 4706788 (VCV004706788.1).